The following is an entry in ClinVar:

ClinVar aggregate classification (germline): Pathogenic/Likely pathogenic. Review status: criteria provided, multiple submitters, no conflicts (2 of 4 stars). 3 submissions from 3 submitters: Pathogenic (1); Likely pathogenic (1). 1 of the submissions does not count toward it. Last evaluated 2023-12-02.

Conditions:
Niemann-Pick disease, type A. Also called: Infantile Neurovisceral ASMD (Niemann-Pick Disease Type A; NPD-A); SPHINGOMYELIN LIPIDOSIS; SPHINGOMYELINASE DEFICIENCY. Identifiers: Orphanet 77292, MedGen C0268242, MONDO:0009756, OMIM 257200. Disease mechanism: loss of function.
Niemann-Pick disease, type B. Also called: Chronic Visceral ASMD (Niemann-Pick Disease Type B; NPD-B). Identifiers: Orphanet 77293, MedGen C0268243, MONDO:0011871, OMIM 607616. Disease mechanism: loss of function.

Allele frequency attached by ClinVar (database versions not stated): gnomAD exomes below 0.00001; TOPMed below 0.00001; gnomAD 0.00001.

Submissions (3):

Labcorp Genetics (formerly Invitae), Labcorp
Classification: Pathogenic for Niemann-Pick disease, type B; Niemann-Pick disease, type A. Last evaluated: 2023-12-02. Review status: criteria provided, single submitter. Criteria: Invitae Variant Classification Sherloc (09022015). Collection method: clinical testing. Allele origin: germline.
Comment: This sequence change creates a premature translational stop signal (p.Trp176*) in the SMPD1 gene. It is expected to result in an absent or disrupted protein product. Loss-of-function variants in SMPD1 are known to be pathogenic (PMID: 12369017, 15221801). This variant is not present in population databases (gnomAD no frequency). This premature translational stop signal has been observed in individual(s) with Niemann-Pick disease type B (PMID: 12369017). This variant is also known as W174X. ClinVar contains an entry for this variant (Variation ID: 552566). For these reasons, this variant has been classified as Pathogenic.

Women's Health and Genetics/Laboratory Corporation of America, LabCorp
Classification: Likely pathogenic for Niemann-Pick disease, type B. Last evaluated: 2021-04-29. Review status: criteria provided, single submitter. Criteria: LabCorp Variant Classification Summary - May 2015. Collection method: clinical testing. Allele origin: germline.
Comment: Variant summary: SMPD1 c.528G>A (p.Trp176X) results in a premature termination codon, predicted to cause a truncation of the encoded protein or absence of the protein due to nonsense mediated decay, which are commonly known mechanisms for disease. Truncations downstream of this position have been classified as pathogenic by our laboratory. The variant was absent in 239480 control chromosomes. c.528G>A has been reported in the literature in at-least one report of individuals affected with Niemann-Pick Disease Type B, although the exact patient count and the genotype/zygosity for this variant is not specified (example, Simonaro_2002). It has also been subsequently cited by others (example Zampieri_2016). To our knowledge, no experimental evidence demonstrating an impact on protein function has been reported. One clinical diagnostic laboratory has submitted clinical-significance assessments for this variant to ClinVar after 2014 and classified the variant as likely pathogenic. Based on the evidence outlined above, the variant was classified as likely pathogenic.

Counsyl
Classification: Likely pathogenic for Niemann-Pick disease, type A. Last evaluated: 2017-06-21. Review status: no assertion criteria provided. Collection method: clinical testing. Allele origin: unknown. Not counted in ClinVar's aggregate classification.

Literature cited by the submitters: PubMed 12369017 (cited by 3 submitters); PubMed 15221801 (cited by Labcorp Genetics (formerly Invitae), Labcorp); PubMed 26499107 (cited by Women's Health and Genetics/Laboratory Corporation of America, LabCorp).

NM_000543.5(SMPD1):c.528G>A (p.Trp176Ter)

Gene: SMPD1 (sphingomyelin phosphodiesterase 1; plus strand). Cytogenetic location: 11p15.4.
Variant type: single nucleotide variant.
Coding change: c.528G>A on transcript NM_000543.5 (MANE Select); coding-DNA position 528, G replaced by A.
Protein change: p.Trp176Ter; replaces tryptophan 176 with a stop codon.
Molecular consequence: nonsense. On other transcripts: 5 prime UTR variant (1), non-coding transcript variant (1).
Genome position (GRCh38, 1-based): chr11:6,391,593, G>A. VCF-style: chr11-6391593-G-A. GRCh37 (hg19) VCF-style: chr11-6412823-G-A.
Other names: c.525G>A, p.Trp175Ter (NM_001007593.3); c.528G>A, p.Trp176Ter (NM_001318087.2, NM_001365135.2); c.-434G>A (NM_001318088.2); short protein forms W176*, W175*.
Identifiers: ClinVar variation 552566 (VCV000552566.13), dbSNP rs1554934212, ClinGen allele CA379369816.